The following is an entry in ClinVar:

NC_000023.11:g.101837596A>T

Gene: NXF5 (nuclear RNA export factor 5; minus strand). Cytogenetic location: Xq22.1.
Variant type: single nucleotide variant.
Molecular consequence: non-coding transcript variant (on NR_028089.1).
Genome position: GRCh38 VCF-style: chrX-101837596-A-T. GRCh37 (hg19) VCF-style: chrX-101092568-A-T.
Identifiers: ClinVar variation 3008847 (VCV003008847.3), dbSNP rs764010973, ClinGen allele CA10474487.

ClinVar aggregate classification (germline): Uncertain significance (1 of 4 stars; one submission).

Allele frequency attached by ClinVar (database versions not stated): gnomAD exomes below 0.00001.

Submission:

Labcorp Genetics (formerly Invitae), Labcorp
Classification: Uncertain significance. Last evaluated: 2025-04-28. Review status: criteria provided, single submitter. Criteria: Invitae Variant Classification Sherloc (09022015). Collection method: clinical testing. Allele origin: germline.
Comment: This sequence change replaces serine, which is neutral and polar, with arginine, which is basic and polar, at codon 326 of the NXF5 protein (p.Ser326Arg). This variant is present in population databases (rs764010973, gnomAD 0.001%). This variant has not been reported in the literature in individuals affected with NXF5-related conditions. ClinVar contains an entry for this variant (Variation ID: 3008847). An algorithm developed to predict the effect of missense changes on protein structure and function outputs the following: PolyPhen-2: "Benign". The arginine amino acid residue is found in multiple mammalian species, which suggests that this missense change does not adversely affect protein function. In summary, the available evidence is currently insufficient to determine the role of this variant in disease. Therefore, it has been classified as a Variant of Uncertain Significance.